The following is an entry in ClinVar:

ClinVar aggregate classification (germline): Benign/Likely benign. Review status: criteria provided, multiple submitters, no conflicts (2 of 4 stars). 3 submissions from 3 submitters: Benign (1); Likely benign (2). Last evaluated 2026-08-17.

Conditions:
Hereditary cancer-predisposing syndrome. Also called: Hereditary neoplastic syndrome; Neoplastic Syndromes, Hereditary; Tumor predisposition; Hereditary Cancer Syndrome. Identifiers: Orphanet 140162, MedGen C0027672, MeSH D009386, MONDO:0015356.
DICER1-related tumor predisposition. Also called: DICER1 syndrome; DICER1-related pleuropulmonary blastoma cancer predisposition syndrome. Identifiers: Orphanet 284343, MedGen C3839822, MONDO:0100216.

Submissions (3):

Myriad Genetics, Inc.
Classification: Benign for DICER1-related tumor predisposition. Last evaluated: 2026-08-17. Review status: criteria provided, single submitter. Criteria: Myriad Autosomal Dominant, Autosomal Recessive and X-Linked Classification Criteria (2023). Collection method: clinical testing. Allele origin: unknown.
Comment: This variant is considered benign. This variant is a silent/synonymous amino acid change and it is not expected to impact splicing.

Ambry Genetics
Classification: Likely benign for Hereditary cancer-predisposing syndrome. Last evaluated: 2026-02-21. Review status: criteria provided, single submitter. Criteria: Ambry Variant Classification Scheme 2023. Collection method: clinical testing. Allele origin: germline.

Labcorp Genetics (formerly Invitae), Labcorp
Classification: Likely benign for DICER1-related tumor predisposition. Last evaluated: 2021-12-24. Review status: criteria provided, single submitter. Criteria: Invitae Variant Classification Sherloc (09022015). Collection method: clinical testing. Allele origin: germline.

NM_177438.3(DICER1):c.3558T>C (p.Asn1186=)

Gene: DICER1 (dicer 1, ribonuclease III; minus strand). Cytogenetic location: 14q32.13.
Variant type: single nucleotide variant.
Coding change: c.3558T>C on transcript NM_177438.3 (MANE Select); coding-DNA position 3558, T replaced by C.
Protein change: p.Asn1186=; no amino-acid change (asparagine 1186 retained).
Molecular consequence: synonymous variant.
Genome position (GRCh38, 1-based): chr14:95,103,838, A>G on the plus strand (T>C on the coding strand, the complement: DICER1 is on the minus strand). VCF-style: chr14-95103838-A-G. GRCh37 (hg19) VCF-style: chr14-95570175-A-G.
Other names: c.3558T>C, p.Asn1186= (NM_001195573.1, NM_001271282.3, NM_001291628.2 and 1 more transcripts).
Identifiers: ClinVar variation 795571 (VCV000795571.12), dbSNP rs1595366084, ClinGen allele CA487845010.